The following is an entry in ClinVar:

ClinVar aggregate classification (germline): Pathogenic (1 of 4 stars; one submission).

Conditions:
Inborn genetic diseases. Identifiers: MedGen C0950123, MeSH D030342.

Submission:

Ambry Genetics
Classification: Pathogenic for Inborn genetic diseases. Last evaluated: 2025-03-21. Review status: criteria provided, single submitter. Criteria: Ambry Variant Classification Scheme 2023. Collection method: clinical testing. Allele origin: germline.
Comment: The c.1271delC pathogenic mutation, located in coding exon 5 of the MBD4 gene, results from a deletion of one nucleotide at nucleotide position 1271, causing a translational frameshift with a predicted alternate stop codon (p.P424Hfs*61). This variant is considered to be rare based on population cohorts in the Genome Aggregation Database (gnomAD). This alteration is expected to result in loss of function by premature protein truncation or nonsense-mediated mRNA decay. As such, this alteration is interpreted as a disease-causing mutation.

NM_001276270.2(MBD4):c.1271del (p.Pro424fs)

Gene: MBD4 (methyl-CpG binding domain 4, DNA glycosylase; minus strand). Cytogenetic location: 3q21.3.
Variant type: Deletion.
Coding change: c.1271del on transcript NM_001276270.2 (MANE Select); coding-DNA position 1271, one base deleted (C; older notation c.1271delC).
Protein change: p.Pro424fs; shifts the reading frame from proline 424.
Molecular consequence: frameshift variant.
Genome position (GRCh38, 1-based): chr3:129,433,972, G deleted on the plus strand (C on the coding strand, the reverse complement: MBD4 is on the minus strand); the first of 6 consecutive G bases (chr3:129,433,972-129,433,977); deleting any one gives the same sequence. VCF-style (leftmost placement, unchanged base first): chr3-129433971-TG-T. GRCh37 (hg19) VCF-style: chr3-129152814-TG-T.
Other names: c.1289del, p.Pro430fs (NM_001276271.2, NM_001276272.2, NM_003925.3); c.335del, p.Pro112fs (NM_001276273.2); c.1271delC (NM_001276270.2); short protein forms P112fs, P430fs, P424fs.
Identifiers: ClinVar variation 4052161 (VCV004052161.1).